The following is an entry in ClinVar:

NM_001378418.1(TCF20):c.5384G>A (p.Cys1795Tyr)

Gene: TCF20 (transcription factor 20; minus strand). Cytogenetic location: 22q13.2.
Variant type: single nucleotide variant.
Coding change: c.5384G>A on transcript NM_001378418.1 (MANE Select); coding-DNA position 5384, G replaced by A.
Protein change: p.Cys1795Tyr; replaces cysteine 1795 with tyrosine.
Molecular consequence: missense variant.
Genome position (GRCh38, 1-based): chr22:42,209,922, C>T on the plus strand (G>A on the coding strand, the complement: TCF20 is on the minus strand). VCF-style: chr22-42209922-C-T. GRCh37 (hg19) VCF-style: chr22-42605928-C-T.
Other names: c.5384G>A, p.Cys1795Tyr (NM_005650.4, NM_181492.3); short protein forms C1795Y.
Identifiers: ClinVar variation 2576836 (VCV002576836.1), dbSNP rs1920927725, ClinGen allele CA411781545.

ClinVar aggregate classification (germline): Uncertain significance (1 of 4 stars; one submission).

Allele frequency attached by ClinVar (database versions not stated): gnomAD 0.00001.
gnomAD v4.1: 2 of 1,614,072 alleles (0.00012%); highest among the groups gnomAD compares: Non-Finnish European, 0.00017%; no homozygotes.

Submission:

GeneDx
Classification: Uncertain significance. Last evaluated: 2023-02-03. Review status: criteria provided, single submitter. Criteria: GeneDx Variant Classification Process June 2021. Collection method: clinical testing. Allele origin: germline. Affected: yes.
Comment: Not observed at significant frequency in large population cohorts (gnomAD); In silico analysis supports that this missense variant does not alter protein structure/function; Has not been previously published as pathogenic or benign to our knowledge